The following is an entry in ClinVar:

NM_001371928.1(AHDC1):c.1711G>A (p.Ala571Thr)

Gene: AHDC1 (AT-hook DNA binding motif containing 1; minus strand). Cytogenetic location: 1p36.11.
Variant type: single nucleotide variant.
Coding change: c.1711G>A on transcript NM_001371928.1 (MANE Select); coding-DNA position 1711, G replaced by A.
Protein change: p.Ala571Thr; replaces alanine 571 with threonine.
Molecular consequence: missense variant.
Genome position (GRCh38, 1-based): chr1:27,550,405, C>T on the plus strand (G>A on the coding strand, the complement: AHDC1 is on the minus strand). VCF-style: chr1-27550405-C-T. GRCh37 (hg19) VCF-style: chr1-27876916-C-T.
Other names: c.1711G>A, p.Ala571Thr (NM_001029882.3); short protein forms A571T.
Identifiers: ClinVar variation 3697290 (VCV003697290.2).

ClinVar aggregate classification (germline): Uncertain significance (1 of 4 stars; one submission).

gnomAD v4.1: 8 of 1,611,674 alleles (0.0005%); highest among the groups gnomAD compares: African/African-American, 0.0093%; no homozygotes.

Submission:

Labcorp Genetics (formerly Invitae), Labcorp
Classification: Uncertain significance. Last evaluated: 2025-04-10. Review status: criteria provided, single submitter. Criteria: Invitae Variant Classification Sherloc (09022015). Collection method: clinical testing. Allele origin: germline.
Comment: This sequence change replaces alanine, which is neutral and non-polar, with threonine, which is neutral and polar, at codon 571 of the AHDC1 protein (p.Ala571Thr). This variant is present in population databases (no rsID available, gnomAD 0.009%). This variant has not been reported in the literature in individuals affected with AHDC1-related conditions. ClinVar contains an entry for this variant (Variation ID: 3697290). An algorithm developed to predict the effect of missense changes on protein structure and function outputs the following: PolyPhen-2: "Benign". The threonine amino acid residue is found in multiple mammalian species, which suggests that this missense change does not adversely affect protein function. In summary, the available evidence is currently insufficient to determine the role of this variant in disease. Therefore, it has been classified as a Variant of Uncertain Significance.